The following is an entry in ClinVar:

NM_001005850.3(ZNF835):c.987A>G (p.Thr329=)

Gene: ZNF835 (zinc finger protein 835; minus strand). Cytogenetic location: 19q13.43.
Variant type: single nucleotide variant.
Coding change: c.987A>G on transcript NM_001005850.3 (MANE Select); coding-DNA position 987, A replaced by G.
Protein change: p.Thr329=; no amino-acid change (threonine 329 retained).
Molecular consequence: synonymous variant.
Genome position (GRCh38, 1-based): chr19:56,664,212, T>C on the plus strand (A>G on the coding strand, the complement: ZNF835 is on the minus strand). VCF-style: chr19-56664212-T-C. GRCh37 (hg19) VCF-style: chr19-57175580-T-C.
Identifiers: ClinVar variation 3341632 (VCV003341632.16).

ClinVar aggregate classification (germline): Likely benign (1 of 4 stars; one submission).

Submission:

CeGaT Center for Human Genetics Tuebingen
Classification: Likely benign. Last evaluated: 2026-01-01. Review status: criteria provided, single submitter. Criteria: CeGaT Center For Human Genetics Tuebingen Variant Classification Criteria Version 2. Collection method: clinical testing. Allele origin: germline. Affected: yes. Observed: 4 variant alleles.
Comment: ZNF835: BP4, BP7